The following is an entry in ClinVar:

NM_000878.5(IL2RB):c.1366C>G (p.Pro456Ala)

Gene: IL2RB (interleukin 2 receptor subunit beta; minus strand). Cytogenetic location: 22q12.3.
Variant type: single nucleotide variant.
Coding change: c.1366C>G on transcript NM_000878.5 (MANE Select); coding-DNA position 1366, C replaced by G.
Protein change: p.Pro456Ala; replaces proline 456 with alanine.
Molecular consequence: missense variant.
Genome position (GRCh38, 1-based): chr22:37,128,386, G>C on the plus strand (C>G on the coding strand, the complement: IL2RB is on the minus strand). VCF-style: chr22-37128386-G-C. GRCh37 (hg19) VCF-style: chr22-37524426-G-C.
Other names: c.1366C>G (NM_000878.2); c.1366C>G, p.Pro456Ala (NM_001346222.1, NM_001346223.2); short protein forms P456A.
Identifiers: ClinVar variation 1394487 (VCV001394487.9), dbSNP rs546931798, ClinGen allele CA10216346.

ClinVar aggregate classification (germline): Uncertain significance. Review status: criteria provided, multiple submitters, no conflicts (2 of 4 stars). 2 submissions from 2 submitters: Uncertain significance (2). Last evaluated 2025-08-31.

Allele frequency attached by ClinVar (database versions not stated): ExAC 0.00001; 1000 Genomes Project 30x 0.00016; 1000 Genomes Project 0.00020.
gnomAD v4.1: 8 of 1,509,916 alleles (0.00053%); highest among the groups gnomAD compares: South Asian, 0.011%; no homozygotes.

Submissions (2):

Ambry Genetics
Classification: Uncertain significance. Last evaluated: 2025-08-31. Review status: criteria provided, single submitter. Criteria: Ambry Variant Classification Scheme 2023. Collection method: clinical testing. Allele origin: germline.

Labcorp Genetics (formerly Invitae), Labcorp
Classification: Uncertain significance. Last evaluated: 2020-12-02. Review status: criteria provided, single submitter. Criteria: Invitae Variant Classification Sherloc (09022015). Collection method: clinical testing. Allele origin: germline.
Comment: This sequence change replaces proline with alanine at codon 456 of the IL2RB protein (p.Pro456Ala). The proline residue is moderately conserved and there is a small physicochemical difference between proline and alanine. The frequency data for this variant in the population databases is considered unreliable, as metrics indicate poor data quality at this position in the ExAC database. This variant has not been reported in the literature in individuals with IL2RB-related conditions. Algorithms developed to predict the effect of missense changes on protein structure and function output the following: SIFT: "Tolerated"; PolyPhen-2: "Benign"; Align-GVGD: "Class C0". The alanine amino acid residue is found in multiple mammalian species, suggesting that this missense change does not adversely affect protein function. These predictions have not been confirmed by published functional studies and their clinical significance is uncertain. In summary, the available evidence is currently insufficient to determine the role of this variant in disease. Therefore, it has been classified as a Variant of Uncertain Significance.